The following is an entry in ClinVar:

ClinVar aggregate classification (germline): Uncertain significance. Review status: criteria provided, multiple submitters, no conflicts (2 of 4 stars). 2 submissions from 2 submitters: Uncertain significance (2). Last evaluated 2025-12-21.

Conditions:
Inborn genetic diseases. Identifiers: MedGen C0950123, MeSH D030342.
Autosomal recessive severe congenital neutropenia due to G6PC3 deficiency. Also called: NEUTROPENIA, SEVERE CONGENITAL, 4, AUTOSOMAL RECESSIVE; G6PC3 Deficiency. Identifiers: Orphanet 331176, MedGen C2751630, MONDO:0012930, OMIM 612541.

Allele frequency attached by ClinVar (database versions not stated): ExAC 0.00001; gnomAD exomes 0.00001; gnomAD 0.00002; TOPMed 0.00002.
gnomAD v4.1: 13 of 1,613,124 alleles (0.00081%); highest among the groups gnomAD compares: African/African-American, 0.004%; no homozygotes.

Submissions (2):

Labcorp Genetics (formerly Invitae), Labcorp
Classification: Uncertain significance for Autosomal recessive severe congenital neutropenia due to G6PC3 deficiency. Last evaluated: 2025-12-21. Review status: criteria provided, single submitter. Criteria: Invitae Variant Classification Sherloc (09022015). Collection method: clinical testing. Allele origin: germline.
Comment: This sequence change replaces arginine, which is basic and polar, with cysteine, which is neutral and slightly polar, at codon 140 of the G6PC3 protein (p.Arg140Cys). This variant is present in population databases (rs764229993, gnomAD 0.007%). This variant has not been reported in the literature in individuals affected with G6PC3-related conditions. ClinVar contains an entry for this variant (Variation ID: 1508610). Invitae Evidence Modeling of protein sequence and biophysical properties (such as structural, functional, and spatial information, amino acid conservation, physicochemical variation, residue mobility, and thermodynamic stability) has been performed for this missense variant. However, the output from this modeling did not meet the statistical confidence thresholds required to predict the impact of this variant on G6PC3 protein function. In summary, the available evidence is currently insufficient to determine the role of this variant in disease. Therefore, it has been classified as a Variant of Uncertain Significance.

Ambry Genetics
Classification: Uncertain significance for Inborn genetic diseases. Last evaluated: 2025-01-08. Review status: criteria provided, single submitter. Criteria: Ambry Variant Classification Scheme 2023. Collection method: clinical testing. Allele origin: germline.
Comment: The p.R140C variant (also known as c.418C>T), located in coding exon 4 of the G6PC3 gene, results from a C to T substitution at nucleotide position 418. The arginine at codon 140 is replaced by cysteine, an amino acid with highly dissimilar properties. This amino acid position is conserved. In addition, this alteration is predicted to be tolerated by in silico analysis. Based on the available evidence, the clinical significance of this variant remains unclear.

NM_138387.4(G6PC3):c.418C>T (p.Arg140Cys)

Gene: G6PC3 (glucose-6-phosphatase catalytic subunit 3; plus strand). Cytogenetic location: 17q21.31.
Variant type: single nucleotide variant.
Coding change: c.418C>T on transcript NM_138387.4 (MANE Select); coding-DNA position 418, C replaced by T.
Protein change: p.Arg140Cys; replaces arginine 140 with cysteine.
Molecular consequence: missense variant. On other transcripts: intron variant (1).
Genome position (GRCh38, 1-based): chr17:44,074,970, C>T. VCF-style: chr17-44074970-C-T. GRCh37 (hg19) VCF-style: chr17-42152338-C-T.
Other names: c.73C>T, p.Arg25Cys (NM_001384165.1, NM_001384166.1, NM_001384167.1 and 1 more transcripts); c.416+200C>T (NM_001319945.2); c.418C>T (NM_138387.3); short protein forms R140C, R25C.
Identifiers: ClinVar variation 1508610 (VCV001508610.5), dbSNP rs764229993, ClinGen allele CA8596032.